The following is an entry in ClinVar:

ClinVar aggregate classification (germline): Uncertain significance (1 of 4 stars; one submission).

Submission:

GeneDx
Classification: Uncertain significance. Last evaluated: 2021-09-21. Review status: criteria provided, single submitter. Criteria: GeneDx Variant Classification Process June 2021. Collection method: clinical testing. Allele origin: germline. Affected: yes.
Comment: Not observed at significant frequency in large population cohorts (gnomAD); In silico analysis supports that this missense variant does not alter protein structure/function; Has not been previously published as pathogenic or benign to our knowledge

NM_014727.3(KMT2B):c.6121G>C (p.Val2041Leu)

Gene: KMT2B (lysine methyltransferase 2B; plus strand). Cytogenetic location: 19q13.12.
Variant type: single nucleotide variant.
Coding change: c.6121G>C on transcript NM_014727.3 (MANE Select); coding-DNA position 6121, G replaced by C.
Protein change: p.Val2041Leu; replaces valine 2041 with leucine.
Molecular consequence: missense variant.
Genome position (GRCh38, 1-based): chr19:35,732,670, G>C. VCF-style: chr19-35732670-G-C. GRCh37 (hg19) VCF-style: chr19-36223571-G-C.
Other names: short protein forms V2041L.
Identifiers: ClinVar variation 1345009 (VCV001345009.2), dbSNP rs2146468408, ClinGen allele CA405425749.